The following is an entry in ClinVar:

ClinVar aggregate classification (germline): Uncertain significance (1 of 4 stars; one submission).

Conditions:
Hereditary cancer-predisposing syndrome. Also called: Hereditary Cancer Syndrome; Neoplastic Syndromes, Hereditary; Tumor predisposition; Hereditary neoplastic syndrome. Identifiers: Orphanet 140162, MedGen C0027672, MeSH D009386, MONDO:0015356.

Submission:

Ambry Genetics
Classification: Uncertain significance for Hereditary cancer-predisposing syndrome. Last evaluated: 2021-08-15. Review status: criteria provided, single submitter. Criteria: Ambry Variant Classification Scheme 2023. Collection method: clinical testing. Allele origin: germline.
Comment: The p.G1620A variant (also known as c.4859G>C), located in coding exon 37 of the POLE gene, results from a G to C substitution at nucleotide position 4859. The glycine at codon 1620 is replaced by alanine, an amino acid with similar properties. This amino acid position is conserved. In addition, this alteration is predicted to be tolerated by in silico analysis. Since supporting evidence is limited at this time, the clinical significance of this alteration remains unclear.

NM_006231.4(POLE):c.4859G>C (p.Gly1620Ala)

Gene: POLE (DNA polymerase epsilon, catalytic subunit; minus strand). Cytogenetic location: 12q24.33.
Variant type: single nucleotide variant.
Coding change: c.4859G>C on transcript NM_006231.4 (MANE Select); coding-DNA position 4859, G replaced by C.
Protein change: p.Gly1620Ala; replaces glycine 1620 with alanine.
Molecular consequence: missense variant.
Genome position (GRCh38, 1-based): chr12:132,642,599, C>G on the plus strand (G>C on the coding strand, the complement: POLE is on the minus strand). VCF-style: chr12-132642599-C-G. GRCh37 (hg19) VCF-style: chr12-133219185-C-G.
Other names: short protein forms G1620A.
Identifiers: ClinVar variation 1743612 (VCV001743612.2), dbSNP rs2138534954, ClinGen allele CA387378114.